The following is an entry in ClinVar:

ClinVar aggregate classification (germline): Uncertain significance (1 of 4 stars; one submission).

Submission:

GeneDx
Classification: Uncertain significance. Last evaluated: 2024-07-03. Review status: criteria provided, single submitter. Criteria: GeneDx Variant Classification Process June 2021. Collection method: clinical testing. Allele origin: germline. Affected: yes.
Comment: Not observed at significant frequency in large population cohorts (gnomAD); In silico analysis indicates that this missense variant does not alter protein structure/function; Has not been previously published as pathogenic or benign to our knowledge

NM_031443.4(CCM2):c.582C>G (p.Cys194Trp)

Gene: CCM2 (CCM2 scaffold protein; plus strand). Cytogenetic location: 7p13.
Variant type: single nucleotide variant.
Coding change: c.582C>G on transcript NM_031443.4 (MANE Select); coding-DNA position 582, C replaced by G.
Protein change: p.Cys194Trp; replaces cysteine 194 with tryptophan.
Molecular consequence: missense variant. On other transcripts: non-coding transcript variant (1), intron variant (1).
Genome position (GRCh38, 1-based): chr7:45,068,552, C>G. VCF-style: chr7-45068552-C-G. GRCh37 (hg19) VCF-style: chr7-45108151-C-G.
Other names: c.645C>G, p.Cys215Trp (NM_001029835.2); c.408C>G, p.Cys136Trp (NM_001167934.2, NM_001363459.2); c.582C>G, p.Cys194Trp (NM_001363458.2); c.472+3906C>G (NM_001167935.2); short protein forms C194W, C136W, C215W.
Identifiers: ClinVar variation 3393874 (VCV003393874.1).